The following is an entry in ClinVar:

NM_015192.4(PLCB1):c.2966C>A (p.Thr989Lys)

Gene: PLCB1 (phospholipase C beta 1; plus strand). Cytogenetic location: 20p12.3.
Variant type: single nucleotide variant.
Coding change: c.2966C>A on transcript NM_015192.4 (MANE Select); coding-DNA position 2966, C replaced by A.
Protein change: p.Thr989Lys; replaces threonine 989 with lysine.
Molecular consequence: missense variant.
Genome position (GRCh38, 1-based): chr20:8,774,574, C>A. VCF-style: chr20-8774574-C-A. GRCh37 (hg19) VCF-style: chr20-8755221-C-A.
Other names: c.2966C>A, p.Thr989Lys (NM_182734.3); short protein forms T989K.
Identifiers: ClinVar variation 835123 (VCV000835123.9), dbSNP rs1982851592, ClinGen allele CA408209077.

ClinVar aggregate classification (germline): Uncertain significance (1 of 4 stars; one submission).

Conditions:
Developmental and epileptic encephalopathy, 12 (DEE12). Identifiers: MedGen C3150988, MONDO:0013389, OMIM 613722.

gnomAD v4.1: 4 of 1,613,322 alleles (0.00025%); highest among the groups gnomAD compares: South Asian, 0.0044%; no homozygotes.

Submission:

Labcorp Genetics (formerly Invitae), Labcorp
Classification: Uncertain significance for Developmental and epileptic encephalopathy, 12. Last evaluated: 2022-06-29. Review status: criteria provided, single submitter. Criteria: Invitae Variant Classification Sherloc (09022015). Collection method: clinical testing. Allele origin: germline.
Comment: This sequence change replaces threonine, which is neutral and polar, with lysine, which is basic and polar, at codon 989 of the PLCB1 protein (p.Thr989Lys). This variant is not present in population databases (gnomAD no frequency). This variant has not been reported in the literature in individuals affected with PLCB1-related conditions. ClinVar contains an entry for this variant (Variation ID: 835123). Algorithms developed to predict the effect of missense changes on protein structure and function are either unavailable or do not agree on the potential impact of this missense change (SIFT: "Deleterious"; PolyPhen-2: "Benign"; Align-GVGD: "Class C0"). Algorithms developed to predict the effect of sequence changes on RNA splicing suggest that this variant may create or strengthen a splice site. In summary, the available evidence is currently insufficient to determine the role of this variant in disease. Therefore, it has been classified as a Variant of Uncertain Significance.